The following is an entry in ClinVar:

NM_019112.4(ABCA7):c.3148-4G>A

Gene: ABCA7 (ATP binding cassette subfamily A member 7; plus strand). Cytogenetic location: 19p13.3.
Variant type: single nucleotide variant.
Coding change: c.3148-4G>A on transcript NM_019112.4 (MANE Select); 4 bases into the intron before coding-DNA position 3148, G replaced by A.
Molecular consequence: intron variant.
Genome position (GRCh38, 1-based): chr19:1,052,210, G>A. VCF-style: chr19-1052210-G-A. GRCh37 (hg19) VCF-style: chr19-1052209-G-A.
Identifiers: ClinVar variation 752424 (VCV000752424.5), dbSNP rs142077993, ClinGen allele CA9033931.

ClinVar aggregate classification (germline): Likely benign. Review status: criteria provided, single submitter (1 of 4 stars). 2 submissions from 2 submitters: Likely benign (1). 1 of the submissions does not count toward it. Last evaluated 2018-06-13.

Conditions:
ABCA7-related disorder. Also called: ABCA7-related condition.

Allele frequency attached by ClinVar (database versions not stated): ESP Exome Variant Server 0.00008; gnomAD 0.00014; TOPMed 0.00014.
gnomAD v4.1: 280 of 1,588,838 alleles (0.018%); highest among the groups gnomAD compares: Non-Finnish European, 0.022%; no homozygotes.

Submissions (2):

Labcorp Genetics (formerly Invitae), Labcorp
Classification: Likely benign. Last evaluated: 2018-06-13. Review status: criteria provided, single submitter. Criteria: Invitae Variant Classification Sherloc (09022015). Collection method: clinical testing. Allele origin: germline.

PreventionGenetics, part of Exact Sciences
Classification: Likely benign for ABCA7-related condition. Last evaluated: 2019-03-12. Review status: no assertion criteria provided. Collection method: clinical testing. Allele origin: germline. Not counted in ClinVar's aggregate classification.
Comment: This variant is classified as likely benign based on ACMG/AMP sequence variant interpretation guidelines (Richards et al. 2015 PMID: 25741868, with internal and published modifications).